The following is an entry in ClinVar:

ClinVar aggregate classification (germline): Likely benign (0 of 4 stars; one submission).

Conditions:
CYP4F2-related disorder. Also called: CYP4F2-related condition.

Allele frequency attached by ClinVar (database versions not stated): ExAC 0.05504; 1000 Genomes Project 0.06230; 1000 Genomes Project 30x 0.06558; ESP Exome Variant Server 0.08084.
gnomAD v4.1: 100,870 of 1,611,242 alleles (6.3%); highest among the groups gnomAD compares: African/African-American, 14%; 1,872 homozygotes.

Submission:

PreventionGenetics, part of Exact Sciences
Classification: Likely benign for CYP4F2-related condition. Last evaluated: 2023-05-05. Review status: no assertion criteria provided. Collection method: clinical testing. Allele origin: germline.
Comment: This variant is classified as likely benign based on ACMG/AMP sequence variant interpretation guidelines (Richards et al. 2015 PMID: 25741868, with internal and published modifications).

NM_001082.5(CYP4F2):c.1555C>A (p.Leu519Met)

Gene: CYP4F2 (cytochrome P450 family 4 subfamily F member 2; minus strand). Cytogenetic location: 19p13.12.
Variant type: single nucleotide variant.
Coding change: c.1555C>A on transcript NM_001082.5 (MANE Select); coding-DNA position 1555, C replaced by A.
Protein change: p.Leu519Met; replaces leucine 519 with methionine.
Molecular consequence: missense variant.
Genome position (GRCh38, 1-based): chr19:15,878,779, G>T on the plus strand (C>A on the coding strand, the complement: CYP4F2 is on the minus strand). VCF-style: chr19-15878779-G-T. GRCh37 (hg19) VCF-style: chr19-15989589-G-T.
Other names: short protein forms L519M.
Identifiers: ClinVar variation 3056325 (VCV003056325.2), dbSNP rs3093200, ClinGen allele CA9273540.